The following is an entry in ClinVar:

NM_007103.4(NDUFV1):c.700+188T>G

Gene: NDUFV1 (NADH:ubiquinone oxidoreductase core subunit V1; plus strand). Cytogenetic location: 11q13.2.
Variant type: single nucleotide variant.
Coding change: c.700+188T>G on transcript NM_007103.4 (MANE Select); 188 bases into the intron after coding-DNA position 700, T replaced by G.
Molecular consequence: intron variant.
Genome position (GRCh38, 1-based): chr11:67,610,758, T>G. VCF-style: chr11-67610758-T-G. GRCh37 (hg19) VCF-style: chr11-67378229-T-G.
Other names: c.673+188T>G (NM_001166102.2).
Identifiers: ClinVar variation 683178 (VCV000683178.2), dbSNP rs3016861, ClinGen allele CA13520338.

ClinVar aggregate classification (germline): Benign. Review status: criteria provided, multiple submitters, no conflicts (2 of 4 stars). 2 submissions from 2 submitters: Benign (2). Last evaluated 2018-06-14.

Allele frequency attached by ClinVar (database versions not stated): TOPMed 0.95054; 1000 Genomes Project 30x 0.95222; 1000 Genomes Project 0.95767; gnomAD exomes 0.99456.
gnomAD v4.1: 836,390 of 847,022 alleles (99%); highest among the groups gnomAD compares: East Asian, 100%; 413,592 homozygotes.

Submissions (2):

GeneDx
Classification: Benign. Last evaluated: 2018-06-14. Review status: criteria provided, single submitter. Criteria: GeneDx Variant Classification (06012015). Collection method: clinical testing. Allele origin: germline. Affected: yes.
Comment: This variant is considered likely benign or benign based on one or more of the following criteria: it is a conservative change, it occurs at a poorly conserved position in the protein, it is predicted to be benign by multiple in silico algorithms, and/or has population frequency not consistent with disease.

Breakthrough Genomics
Classification: Benign. Review status: criteria provided, single submitter. Criteria: ACMG Guidelines, 2015. Collection method: not provided. Allele origin: germline. Inheritance: Autosomal recessive inheritance. Affected: yes.